The following is an entry in ClinVar:

ClinVar aggregate classification (germline): Likely pathogenic (1 of 4 stars; one submission).

Conditions:
Meier-Gorlin syndrome 7. Identifiers: Orphanet 2554, MedGen C4310738, MONDO:0014894, OMIM 617063. Disease mechanism: loss of function.

Submission:

Juno Genomics, Hangzhou Juno Genomics, Inc
Classification: Likely pathogenic for Meier-Gorlin syndrome 7. Review status: criteria provided, single submitter. Criteria: ACMG Guidelines, 2015. Collection method: clinical testing. Allele origin: germline.
Comment: Null variant in a gene where loss of function (LOF) is a known mechanism of disease.;Absent from controls (or at extremely low frequency if recessive) in Genome Aggregation Database.

NM_003504.5(CDC45):c.23_24del (p.Lys8fs)

Gene: CDC45 (cell division cycle 45; plus strand). Cytogenetic location: 22q11.21.
Variant type: Deletion.
Coding change: c.23_24del on transcript NM_003504.5 (MANE Select); coding-DNA positions 23 to 24, 2 bases deleted (AA; older notation c.23_24delAA).
Protein change: p.Lys8fs; shifts the reading frame from lysine 8.
Molecular consequence: frameshift variant. On other transcripts: non-coding transcript variant (1), intron variant (1).
Genome position (GRCh38, 1-based): chr22:19,479,991-19,479,992, AA deleted; deleting any 2 consecutive bases within chr22:19,479,990-19,479,992 gives the same sequence; the c. name uses the placement nearest the transcript's 3' end. VCF-style (leftmost placement, unchanged base first): chr22-19479989-CAA-C. GRCh37 (hg19) VCF-style: chr22-19467512-CAA-C.
Other names: c.23_24del, p.Lys8fs (NM_001178010.2, NM_001178011.2); c.16-167_16-166del (NM_001369291.1); short protein forms K8fs.
Identifiers: ClinVar variation 5006439 (VCV005006439.2).